The following is an entry in ClinVar:

NM_000443.4(ABCB4):c.834-1G>A

Gene: ABCB4 (ATP binding cassette subfamily B member 4; minus strand). Cytogenetic location: 7q21.12.
Variant type: single nucleotide variant.
Coding change: c.834-1G>A on transcript NM_000443.4 (MANE Select); the canonical splice acceptor site of the intron before coding-DNA position 834, G replaced by A.
Molecular consequence: splice acceptor variant.
Genome position (GRCh38, 1-based): chr7:87,447,206, C>T on the plus strand (G>A on the coding strand, the complement: ABCB4 is on the minus strand). VCF-style: chr7-87447206-C-T. GRCh37 (hg19) VCF-style: chr7-87076522-C-T.
Other names: c.834-1G>A (NM_018850.3, NM_018849.3, NM_000443.3).
Identifiers: ClinVar variation 812752 (VCV000812752.6), dbSNP rs752563752, ClinGen allele CA4327437.

ClinVar aggregate classification (germline): Pathogenic/Likely pathogenic. Review status: criteria provided, multiple submitters, no conflicts (2 of 4 stars). 5 submissions from 5 submitters: Pathogenic (2); Likely pathogenic (2). 1 of the submissions does not count toward it. Last evaluated 2026-04-14.

Conditions:
Familial intrahepatic cholestasis. Identifiers: Orphanet 284385, MedGen CN296401, MONDO:0017290.
ABCB4-related disorder. Also called: ABCB4-related disorders; ABCB4-related condition.
Cholestasis, intrahepatic, of pregnancy, 3. Identifiers: Orphanet 69665, MedGen C3554241, MONDO:0013995, OMIM 614972.
Progressive familial intrahepatic cholestasis type 3. Also called: MDR3 DEFICIENCY; Low Gamma-GT Familial Intrahepatic Cholestasis. Identifiers: Orphanet 79305, MedGen C1865643, MONDO:0011214, OMIM 602347.
Low phospholipid associated cholelithiasis (GBD1). Also called: Gallstone cholecystitis; Gallbladder disease 1. Identifiers: Orphanet 69663, MedGen C2609268, MONDO:0010939, OMIM 600803.

Allele frequency attached by ClinVar (database versions not stated): gnomAD exomes below 0.00001 and 0.00001; ExAC 0.00001.
gnomAD v4.1: 17 of 1,612,132 alleles (0.0011%); highest among the groups gnomAD compares: Non-Finnish European, 0.0014%; no homozygotes.

Submissions (5):

Genomenon, Inc
Classification: Pathogenic for Familial intrahepatic cholestasis. Last evaluated: 2026-04-14. Review status: criteria provided, single submitter. Criteria: Genomenon Sequence Variant Interpretation Standards - Updated. Collection method: curation. Allele origin: germline. Affected: yes.
Comment: ABCB4 c.834-1G>A is a canonical splice variant affecting the acceptor splice site of intron 8. It is predicted to affect mRNA splicing, leading to a deleterious effect on the ABCB4 protein. This variant has been observed in at least one proband with an ABCB4-related disorder (PMID:32581362). It is absent or not present at a significant frequency in gnomAD. In conclusion, we classify ABCB4 c.834-1G>A as a pathogenic variant.

Fulgent Genetics
Classification: Likely pathogenic for Low phospholipid associated cholelithiasis; Progressive familial intrahepatic cholestasis type 3; Cholestasis, intrahepatic, of pregnancy, 3. Last evaluated: 2024-06-24. Review status: criteria provided, single submitter. Criteria: ACMG Guidelines, 2015. Collection method: clinical testing. Allele origin: germline.

Blueprint Genetics
Classification: Pathogenic for ABCB4-related disorders. Last evaluated: 2024-04-29. Review status: criteria provided, single submitter. Criteria: ACMG Guidelines, 2015. Collection method: clinical testing. Allele origin: germline. Affected: yes. Observed: 1 variant allele.

Victorian Clinical Genetics Services, Murdoch Childrens Research Institute
Classification: Likely pathogenic for Low phospholipid associated cholelithiasis. Last evaluated: 2023-07-17. Review status: criteria provided, single submitter. Criteria: ACMG Guidelines, 2015. Collection method: clinical testing. Allele origin: germline. Affected: yes.
Comment: Based on the classification scheme VCGS_Germline_v1.3.4, this variant is classified as Likely pathogenic. Following criteria are met: 0102 - Loss of function is a known mechanism of disease in this gene and is associated with intrahepatic cholestasis of pregnancy, 3 (ICP-3; MIM#614972), low phospholipid-associated cholelithiasis (LPAC; MIM# 600803) and progressive familial intrahepatic cholestasis, 3 (PFIC; MIM#602347). (I) 0108 - This gene is associated with both recessive and dominant disease. PFIC is inherited in a recessive manner, whereas ICP-3 and LPAC can be either dominant or recessive. Biallelic variants typically demonstrate less residual protein activity, resulting in earlier onset of the condition with a more severe phenotype (OMIM, PMIDs: 24806754, 32376413). (I) 0211 - Canonical splice site variant without proven consequence on splicing (no functional evidence available). (SP) 0251 - This variant is heterozygous. (I) 0304 - Variant is present in gnomAD (v2) <0.01 for a recessive condition (1 heterozygote, 0 homozygotes). (SP) 0505 - Abnormal splicing is predicted by in silico tools and affected nucleotide is highly conserved. (SP) 0704 - Another canonical splice variant comparable to the one identified in this case has limited previous evidence for pathogenicity. c.834-2A>G has been classified as pathogenic by a clinical laboratory in ClinVar. (SP) 0803 - This variant has limited previous evidence of pathogenicity in an unrelated individual. This variant has been observed with a missense variant, p.(Arg150Lys), in a large rare diseases cohort study, however, it is unclear if these two variants were in cis or in trans (PMID: 32581362). (SP) 0905 - No published segregation evidence has been identified for this variant. (I) 1007 - No published functional evidence has been identified for this variant. (I) Legend: (SP) - Supporting pathogenic, (I) - Information, (SB) - Supporting benign

NIHR Bioresource Rare Diseases, University of Cambridge
Classification: Likely pathogenic for Cholestasis, intrahepatic, of pregnancy, 3. Review status: no assertion criteria provided. Collection method: research. Allele origin: unknown. Affected: yes. Observed: 1 variant allele. Not counted in ClinVar's aggregate classification.

Literature cited by the submitters: PubMed 32581362 (cited by 3 submitters); PubMed 24806754 (cited by Victorian Clinical Genetics Services, Murdoch Childrens Research Institute); PubMed 32376413 (cited by Victorian Clinical Genetics Services, Murdoch Childrens Research Institute).